The following is an entry in ClinVar:

ClinVar aggregate classification (germline): Likely benign. Review status: criteria provided, multiple submitters, no conflicts (2 of 4 stars). 2 submissions from 2 submitters: Likely benign (2). Last evaluated 2022-03-01.

Conditions:
Hereditary cancer-predisposing syndrome. Also called: Hereditary neoplastic syndrome; Neoplastic Syndromes, Hereditary; Tumor predisposition; Hereditary Cancer Syndrome. Identifiers: Orphanet 140162, MedGen C0027672, MeSH D009386, MONDO:0015356.

Allele frequency attached by ClinVar (database versions not stated): gnomAD exomes below 0.00001.
gnomAD v4.1: 4 of 1,614,060 alleles (0.00025%); highest among the groups gnomAD compares: East Asian, 0.0089%; no homozygotes.

Submissions (2):

CeGaT Center for Human Genetics Tuebingen
Classification: Likely benign. Last evaluated: 2022-03-01. Review status: criteria provided, single submitter. Criteria: CeGaT Center For Human Genetics Tuebingen Variant Classification Criteria Version 2. Collection method: clinical testing. Allele origin: germline. Affected: yes. Observed: 1 variant allele.
Comment: PTCH1: BP4, BP7

Ambry Genetics
Classification: Likely benign for Hereditary cancer-predisposing syndrome. Last evaluated: 2021-08-10. Review status: criteria provided, single submitter. Criteria: Ambry Variant Classification Scheme 2023. Collection method: clinical testing. Allele origin: germline.

NM_000264.5(PTCH1):c.999G>A (p.Lys333=)

Gene: PTCH1 (patched 1; minus strand). Cytogenetic location: 9q22.32.
Variant type: single nucleotide variant.
Coding change: c.999G>A on transcript NM_000264.5 (MANE Select); coding-DNA position 999, G replaced by A.
Protein change: p.Lys333=; no amino-acid change (lysine 333 retained).
Molecular consequence: synonymous variant. On other transcripts: non-coding transcript variant (1).
Genome position (GRCh38, 1-based): chr9:95,480,037, C>T on the plus strand (G>A on the coding strand, the complement: PTCH1 is on the minus strand). VCF-style: chr9-95480037-C-T. GRCh37 (hg19) VCF-style: chr9-98242319-C-T.
Other names: c.801G>A, p.Lys267= (NM_001083602.3); c.996G>A, p.Lys332= (NM_001083603.3); c.546G>A, p.Lys182= (NM_001083604.3, NM_001083605.3, NM_001083606.3 and 1 more transcripts); c.999G>A, p.Lys333= (NM_001354918.2).
Identifiers: ClinVar variation 1768859 (VCV001768859.26), dbSNP rs1841407046, ClinGen allele CA466123256.